The following is an entry in ClinVar:

ClinVar aggregate classification (germline): Uncertain significance. Review status: criteria provided, multiple submitters, no conflicts (2 of 4 stars). 2 submissions from 2 submitters: Uncertain significance (2). Last evaluated 2025-09-26.

Conditions:
Inborn genetic diseases. Identifiers: MedGen C0950123, MeSH D030342.

Allele frequency attached by ClinVar (database versions not stated): TOPMed below 0.00001; gnomAD exomes 0.00001; ExAC 0.00006.
gnomAD v4.1: 17 of 1,612,146 alleles (0.0011%); highest among the groups gnomAD compares: South Asian, 0.019%; no homozygotes.

Submissions (2):

Ambry Genetics
Classification: Uncertain significance for Inborn genetic diseases. Last evaluated: 2025-09-26. Review status: criteria provided, single submitter. Criteria: Ambry Variant Classification Scheme 2023. Collection method: clinical testing. Allele origin: germline.

GeneDx
Classification: Uncertain significance. Last evaluated: 2023-05-01. Review status: criteria provided, single submitter. Criteria: GeneDx Variant Classification Process June 2021. Collection method: clinical testing. Allele origin: germline. Affected: yes.
Comment: In silico analysis supports that this missense variant does not alter protein structure/function; Has not been previously published as pathogenic or benign to our knowledge

NM_173630.4(RTTN):c.771G>T (p.Gln257His)

Gene: RTTN (rotatin; minus strand). Cytogenetic location: 18q22.2.
Variant type: single nucleotide variant.
Coding change: c.771G>T on transcript NM_173630.4 (MANE Select); coding-DNA position 771, G replaced by T.
Protein change: p.Gln257His; replaces glutamine 257 with histidine.
Molecular consequence: missense variant. On other transcripts: 5 prime UTR variant (1).
Genome position (GRCh38, 1-based): chr18:70,196,571, C>A on the plus strand (G>T on the coding strand, the complement: RTTN is on the minus strand). VCF-style: chr18-70196571-C-A. GRCh37 (hg19) VCF-style: chr18-67863807-C-A.
Other names: c.-1783G>T (NM_001318520.2); short protein forms Q257H.
Identifiers: ClinVar variation 2662903 (VCV002662903.2), dbSNP rs758080366, ClinGen allele CA8996368.